The following is an entry in ClinVar:

ClinVar aggregate classification (germline): Conflicting classifications of pathogenicity. Review status: criteria provided, conflicting classifications (1 of 4 stars). 3 submissions from 3 submitters: Uncertain significance (1); Likely benign (2). Last evaluated 2025-08-17.

Conditions:
Hereditary cancer-predisposing syndrome. Also called: Neoplastic Syndromes, Hereditary; Hereditary Cancer Syndrome; Tumor predisposition; Hereditary neoplastic syndrome. Identifiers: Orphanet 140162, MedGen C0027672, MeSH D009386, MONDO:0015356.

Allele frequency attached by ClinVar (database versions not stated): gnomAD 0.00001; TOPMed 0.00001.

Submissions (3):

Labcorp Genetics (formerly Invitae), Labcorp
Classification: Likely benign. Last evaluated: 2025-08-17. Review status: criteria provided, single submitter. Criteria: Invitae Variant Classification Sherloc (09022015). Collection method: clinical testing. Allele origin: germline.

Mayo Clinic Laboratories, Mayo Clinic
Classification: Likely benign. Last evaluated: 2025-07-30. Review status: criteria provided, single submitter. Criteria: ACMG Guidelines, 2015. Collection method: clinical testing. Allele origin: germline. Observed: 1 variant allele.
Comment: BP4, BP7

Ambry Genetics
Classification: Uncertain significance for Hereditary cancer-predisposing syndrome. Last evaluated: 2025-05-13. Review status: criteria provided, single submitter. Criteria: Ambry Variant Classification Scheme 2023. Collection method: clinical testing. Allele origin: germline.
Comment: The c.4552-5T>C intronic variant results from a T to C substitution 5 nucleotides upstream from coding exon 36 in the POLE gene. This nucleotide position is not well conserved in available vertebrate species. In silico splice site analysis for this alteration is inconclusive. Based on the available evidence, the clinical significance of this variant remains unclear.

NM_006231.4(POLE):c.4552-5T>C

Gene: POLE (DNA polymerase epsilon, catalytic subunit; minus strand). Cytogenetic location: 12q24.33.
Variant type: single nucleotide variant.
Coding change: c.4552-5T>C on transcript NM_006231.4 (MANE Select); 5 bases into the intron before coding-DNA position 4552, T replaced by C.
Molecular consequence: intron variant.
Genome position (GRCh38, 1-based): chr12:132,643,001, A>G on the plus strand (T>C on the coding strand, the complement: POLE is on the minus strand). VCF-style: chr12-132643001-A-G. GRCh37 (hg19) VCF-style: chr12-133219587-A-G.
Other names: p.?; c.4552-5T>C (NM_006231.2).
Identifiers: ClinVar variation 744209 (VCV000744209.12), dbSNP rs1064795991, ClinGen allele CA608513896.
Genomic context (GRCh38, chr12:132,643,001, plus strand): 5'-AGGCCGTGCTCTGCTGAGTACAGGGCGCCAAGGCTGGGCATCTGGTTGCTGCGCACCTAG[A>G]CCAACGCAGGCCACGTCAGCCTCCCCCTGCGCAGGAGGAAGTGGGGGCAGCCCTGGGGCA-3'